The following is an entry in ClinVar:

ClinVar aggregate classification (germline): Conflicting classifications of pathogenicity. Review status: criteria provided, conflicting classifications (1 of 4 stars). 2 submissions from 2 submitters: Uncertain significance (1); Likely benign (1). Last evaluated 2024-10-29.

Conditions:
Dystonic disorder. Also called: Dystonia. Identifiers: MedGen C0013421, MONDO:0003441, HP:0001332.
Inborn genetic diseases. Identifiers: MedGen C0950123, MeSH D030342.

Allele frequency attached by ClinVar (database versions not stated): gnomAD 0.00002.

Submissions (2):

Labcorp Genetics (formerly Invitae), Labcorp
Classification: Likely benign for Dystonic disorder. Last evaluated: 2024-10-29. Review status: criteria provided, single submitter. Criteria: Invitae Variant Classification Sherloc (09022015). Collection method: clinical testing. Allele origin: germline.

Ambry Genetics
Classification: Uncertain significance for Inborn genetic diseases. Last evaluated: 2021-08-09. Review status: criteria provided, single submitter. Criteria: Ambry Variant Classification Scheme 2023. Collection method: clinical testing. Allele origin: germline.
Comment: The c.620+6G>A intronic alteration consists of a G to A substitution 6 nucleotides after exon 3 of the TOR1A gene. Based on insufficient or conflicting evidence, the clinical significance of this alteration remains unclear.

NM_000113.3(TOR1A):c.620+6G>A

Gene: TOR1A (torsin family 1 member A; minus strand). Cytogenetic location: 9q34.11.
Variant type: single nucleotide variant.
Coding change: c.620+6G>A on transcript NM_000113.3 (MANE Select); 6 bases into the intron after coding-DNA position 620, G replaced by A.
Molecular consequence: intron variant.
Genome position (GRCh38, 1-based): chr9:129,818,739, C>T on the plus strand (G>A on the coding strand, the complement: TOR1A is on the minus strand). VCF-style: chr9-129818739-C-T. GRCh37 (hg19) VCF-style: chr9-132581018-C-T.
Other names: c.620+6G>A (NM_000113.2).
Identifiers: ClinVar variation 1365748 (VCV001365748.7), dbSNP rs748292862, ClinGen allele CA5278616.
Genomic context (GRCh38, chr9:129,818,739, plus strand): 5'-GTTTTCTCCTGGAGCTCAGAGGCTTGGGCTCGGGGCCCATCCATCATGTCCTAGCCCTGA[C>T]CTTACCTGAGAAATATGAACATGGCTTTCTGGTAGGAGACCCCATCCACCAGGTCATAAT-3'